The following is an entry in ClinVar:

ClinVar aggregate classification (germline): Uncertain significance (1 of 4 stars; one submission).

Submission:

GeneDx
Classification: Uncertain significance. Last evaluated: 2022-12-15. Review status: criteria provided, single submitter. Criteria: GeneDx Variant Classification Process June 2021. Collection method: clinical testing. Allele origin: germline. Affected: yes.
Comment: Not observed at significant frequency in large population cohorts (gnomAD); In silico analysis supports a deleterious effect on splicing; Has not been previously published as pathogenic or benign to our knowledge

NM_004522.3(KIF5C):c.2446-5T>A

Gene: KIF5C (kinesin family member 5C; plus strand). Cytogenetic location: 2q23.2.
Variant type: single nucleotide variant.
Coding change: c.2446-5T>A on transcript NM_004522.3 (MANE Select); 5 bases into the intron before coding-DNA position 2446, T replaced by A.
Molecular consequence: intron variant.
Genome position (GRCh38, 1-based): chr2:149,007,958, T>A. VCF-style: chr2-149007958-T-A. GRCh37 (hg19) VCF-style: chr2-149864472-T-A.
Identifiers: ClinVar variation 2505787 (VCV002505787.1), dbSNP rs2468318668, ClinGen allele CA2580611693.